The following is an entry in ClinVar:

ClinVar aggregate classification (germline): Likely pathogenic (1 of 4 stars; one submission).

Conditions:
Maturity-onset diabetes of the young type 3. Also called: MODY type 3; MODY, type III. Identifiers: Orphanet 552, MedGen C1838100, MeSH C563933, MONDO:0010894, OMIM 600496. Disease mechanism: loss of function.

Submission:

CGC Genetics, Unilabs
Classification: Likely pathogenic for Maturity-onset diabetes of the young type 3. Last evaluated: 2025-01-21. Review status: criteria provided, single submitter. Criteria: ACMG Guidelines, 2015. Collection method: clinical testing. Allele origin: unknown. Inheritance: Autosomal dominant inheritance. Affected: yes. Observed: 1 variant allele.
Comment: It has been reported in the literature in a Portuguese family with MODY (PMID: 33472798), segregation with the disease having been observed, and whose observed phenotype is highly compatible with the pathology associated with the HNF1A gene (MODY Probability Calculator). It is absent from the gnomAD population database. It is an in-frame deletion, which is predicted to lead to the loss of 6 amino acids. With the information currently available, it should be classified as a probably pathogenic variant. Criteria according to ClinGen HNF1A specific guidelines: PM2_supporting; PM4; PP1_moderate; PP4.

Literature cited by the submitters: PubMed 33472798.

NM_000545.8(HNF1A):c.687_707del (p.Glu230_Cys236del)

Gene: HNF1A (HNF1 homeobox A; plus strand). Cytogenetic location: 12q24.31.
Variant type: Deletion.
Coding change: c.687_707del on transcript NM_000545.8 (MANE Select); coding-DNA positions 687 to 707, 21 bases deleted (AGAGACGCTAGTGGAGGAGTG).
Protein change: p.Glu230_Cys236del.
Genome position (GRCh38, 1-based): chr12:120,993,680-120,993,700, AGAGACGCTAGTGGAGGAGTG deleted; deleting any 21 consecutive bases within chr12:120,993,679-120,993,700 gives the same sequence; the c. name uses the placement nearest the transcript's 3' end. VCF-style (leftmost placement, unchanged base first): chr12-120993678-CGAGAGACGCTAGTGGAGGAGT-C. GRCh37 (hg19) VCF-style: chr12-121431481-CGAGAGACGCTAGTGGAGGAGT-C.
Other names: c.687_707del, p.Glu230_Cys236del (NM_001306179.2, NM_001406915.1).
Identifiers: ClinVar variation 3765560 (VCV003765560.1).
Genomic context (GRCh38, chr12:120,993,678, plus strand): 5'-GCATCCCAGCAGATCCTGTTCCAGGCCTATGAGAGGCAGAAGAACCCTAGCAAGGAGGAG[CGAGAGACGCTAGTGGAGGAGT>C]GCAATAGGTACAACGGCGGGCGGGAAACAGTGCTGGTTTGGTCTGGGCTGCGGCAAGGCC-3'